The following is an entry in ClinVar:

ClinVar aggregate classification (germline): Uncertain significance (1 of 4 stars; one submission).

Allele frequency attached by ClinVar (database versions not stated): gnomAD exomes below 0.00001.
gnomAD v4.1: 1 of 1,613,848 alleles (0.000062%); highest among the groups gnomAD compares: African/African-American, 0.0013%; no homozygotes.

Submission:

Ambry Genetics
Classification: Uncertain significance. Last evaluated: 2023-02-04. Review status: criteria provided, single submitter. Criteria: Ambry Variant Classification Scheme 2023. Collection method: clinical testing. Allele origin: germline.
Comment: The p.G1314R variant (also known as c.3940G>A), located in coding exon 26 of the MYOM1 gene, results from a G to A substitution at nucleotide position 3940. The glycine at codon 1314 is replaced by arginine, an amino acid with dissimilar properties. This amino acid position is conserved. In addition, the in silico prediction for this alteration is inconclusive. Since supporting evidence is limited at this time, the clinical significance of this alteration remains unclear.

NM_003803.4(MYOM1):c.3940G>A (p.Gly1314Arg)

Gene: MYOM1 (myomesin 1; minus strand). Cytogenetic location: 18p11.31.
Variant type: single nucleotide variant.
Coding change: c.3940G>A on transcript NM_003803.4 (MANE Select); coding-DNA position 3940, G replaced by A.
Protein change: p.Gly1314Arg; replaces glycine 1314 with arginine.
Molecular consequence: missense variant.
Genome position (GRCh38, 1-based): chr18:3,090,727, C>T on the plus strand (G>A on the coding strand, the complement: MYOM1 is on the minus strand). VCF-style: chr18-3090727-C-T. GRCh37 (hg19) VCF-style: chr18-3090725-C-T.
Other names: c.3652G>A, p.Gly1218Arg (NM_019856.2); short protein forms G1218R, G1314R.
Identifiers: ClinVar variation 2447679 (VCV002447679.2), dbSNP rs2510510802, ClinGen allele CA401712283.